The following is an entry in ClinVar:

ClinVar aggregate classification (germline): Pathogenic (1 of 4 stars; one submission).

Conditions:
Neurofibromatosis, type 1 (NF1). Also called: NEUROFIBROMATOSIS, TYPE I, SOMATIC; VON RECKLINGHAUSEN DISEASE; Peripheral type neurofibromatosis; Neurofibromatosis, type I. Identifiers: Orphanet 636, MedGen C0027831, MONDO:0018975, OMIM 162200. Disease mechanism: loss of function.

Submission:

Labcorp Genetics (formerly Invitae), Labcorp
Classification: Pathogenic for Neurofibromatosis, type 1. Last evaluated: 2025-04-27. Review status: criteria provided, single submitter. Criteria: Invitae Variant Classification Sherloc (09022015). Collection method: clinical testing. Allele origin: germline.
Comment: This sequence change creates a premature translational stop signal (p.Glu716*) in the NF1 gene. It is expected to result in an absent or disrupted protein product. Loss-of-function variants in NF1 are known to be pathogenic (PMID: 10712197, 23913538). This variant is not present in population databases (gnomAD no frequency). This variant has not been reported in the literature in individuals affected with NF1-related conditions. Algorithms developed to predict the effect of sequence changes on RNA splicing suggest that this variant may disrupt the consensus splice site. For these reasons, this variant has been classified as Pathogenic.

Literature cited by the submitters: PubMed 10712197; PubMed 23913538.

NM_001042492.3(NF1):c.2146G>T (p.Glu716Ter)

Gene: NF1 (neurofibromin 1; plus strand). Cytogenetic location: 17q11.2.
Variant type: single nucleotide variant.
Coding change: c.2146G>T on transcript NM_001042492.3 (MANE Select); coding-DNA position 2146, G replaced by T.
Protein change: p.Glu716Ter; replaces glutamic acid 716 with a stop codon.
Molecular consequence: nonsense.
Genome position (GRCh38, 1-based): chr17:31,226,579, G>T. VCF-style: chr17-31226579-G-T. GRCh37 (hg19) VCF-style: chr17-29553597-G-T.
Other names: c.2146G>T, p.Glu716Ter (NM_000267.4); short protein forms E716*.
Identifiers: ClinVar variation 4718411 (VCV004718411.1).